The following is an entry in ClinVar:

ClinVar aggregate classification (germline): Likely benign. Review status: criteria provided, single submitter (1 of 4 stars). 2 submissions from 2 submitters: Likely benign (1). 1 of the submissions does not count toward it. Last evaluated 2025-02-02.

Conditions:
COL4A1-related disorder. Also called: COL4A1-related condition; COL4A1-related disorders. Identifiers: MedGen CN376119, MONDO:0800461.

Allele frequency attached by ClinVar (database versions not stated): ExAC 0.00001; TOPMed below 0.00001; gnomAD exomes 0.00001.
gnomAD v4.1: 11 of 1,614,146 alleles (0.00068%); highest among the groups gnomAD compares: Non-Finnish European, 0.00093%; no homozygotes.

Submissions (2):

Labcorp Genetics (formerly Invitae), Labcorp
Classification: Likely benign. Last evaluated: 2025-02-02. Review status: criteria provided, single submitter. Criteria: Invitae Variant Classification Sherloc (09022015). Collection method: clinical testing. Allele origin: germline.

PreventionGenetics, part of Exact Sciences
Classification: Likely benign for COL4A1-related condition. Last evaluated: 2020-12-30. Review status: no assertion criteria provided. Collection method: clinical testing. Allele origin: germline. Not counted in ClinVar's aggregate classification.
Comment: This variant is classified as likely benign based on ACMG/AMP sequence variant interpretation guidelines (Richards et al. 2015 PMID: 25741868, with internal and published modifications).

NM_001845.6(COL4A1):c.4281C>T (p.Pro1427=)

Gene: COL4A1 (collagen type IV alpha 1 chain; minus strand). Cytogenetic location: 13q34.
Variant type: single nucleotide variant.
Coding change: c.4281C>T on transcript NM_001845.6 (MANE Select); coding-DNA position 4281, C replaced by T.
Protein change: p.Pro1427=; no amino-acid change (proline 1427 retained).
Molecular consequence: synonymous variant.
Genome position (GRCh38, 1-based): chr13:110,162,411, G>A on the plus strand (C>T on the coding strand, the complement: COL4A1 is on the minus strand). VCF-style: chr13-110162411-G-A. GRCh37 (hg19) VCF-style: chr13-110814758-G-A.
Other names: c.4281C>T (NM_001845.5).
Identifiers: ClinVar variation 1667412 (VCV001667412.10), dbSNP rs769089749, ClinGen allele CA7046962.